The following is an entry in ClinVar:

ClinVar aggregate classification (germline): Conflicting classifications of pathogenicity. Review status: criteria provided, conflicting classifications (1 of 4 stars). 5 submissions from 5 submitters: Uncertain significance (1); Benign (1); Likely benign (2). 1 of the submissions does not count toward it. Last evaluated 2025-10-22.

Conditions:
Rubinstein-Taybi syndrome due to CREBBP mutations (RSTS1). Also called: RUBINSTEIN SYNDROME; BROAD THUMBS AND GREAT TOES, CHARACTERISTIC FACIES, AND IMPAIRED INTELLECTUAL DEVELOPMENT; RUBINSTEIN-TAYBI SYNDROME 1, INCOMPLETE; BROAD THUMB-HALLUX SYNDROME; Rubinstein-Taybi syndrome 1; CREBBP-Related Rubinstein-Taybi Syndrome. Identifiers: Orphanet 353277, Orphanet 783, MedGen C4551859, MONDO:0008393, OMIM 180849.
Inborn genetic diseases. Identifiers: MedGen C0950123, MeSH D030342.
CREBBP-related disorder. Also called: CREBBP-related condition; CREBBP-related disorders.
Rubinstein-Taybi syndrome (RSTS). Identifiers: Orphanet 783, MedGen C0035934, MONDO:0019188.

Allele frequency attached by ClinVar (database versions not stated): ExAC 0.00003; gnomAD 0.00006; TOPMed 0.00008; gnomAD exomes 0.00010; ESP Exome Variant Server 0.00023.
gnomAD v4.1: 163 of 1,612,276 alleles (0.01%); highest among the groups gnomAD compares: Non-Finnish European, 0.012%; no homozygotes.

Submissions (5):

Labcorp Genetics (formerly Invitae), Labcorp
Classification: Benign for Rubinstein-Taybi syndrome. Last evaluated: 2025-10-22. Review status: criteria provided, single submitter. Criteria: Invitae Variant Classification Sherloc (09022015). Collection method: clinical testing. Allele origin: germline.

CeGaT Center for Human Genetics Tuebingen
Classification: Likely benign. Last evaluated: 2025-05-01. Review status: criteria provided, single submitter. Criteria: CeGaT Center For Human Genetics Tuebingen Variant Classification Criteria Version 2. Collection method: clinical testing. Allele origin: germline. Affected: yes. Observed: 1 variant allele.
Comment: CREBBP: BS2

Ambry Genetics
Classification: Likely benign for Inborn genetic diseases. Last evaluated: 2024-09-01. Review status: criteria provided, single submitter. Criteria: Ambry Variant Classification Scheme 2023. Collection method: clinical testing. Allele origin: germline.

Department of Pathology and Laboratory Medicine, Sinai Health System
Classification: Uncertain significance for Rubinstein-Taybi syndrome. Last evaluated: 2023-03-08. Review status: criteria provided, single submitter. Criteria: ACMG Guidelines, 2015. Collection method: research. Allele origin: germline.

PreventionGenetics, part of Exact Sciences
Classification: Likely benign for CREBBP-related condition. Last evaluated: 2024-08-26. Review status: no assertion criteria provided. Collection method: clinical testing. Allele origin: germline. Not counted in ClinVar's aggregate classification.
Comment: This variant is classified as likely benign based on ACMG/AMP sequence variant interpretation guidelines (Richards et al. 2015 PMID: 25741868, with internal and published modifications).

NM_004380.3(CREBBP):c.6732G>A (p.Met2244Ile)

Gene: CREBBP (CREB binding lysine acetyltransferase; minus strand). Cytogenetic location: 16p13.3.
Variant type: single nucleotide variant.
Coding change: c.6732G>A on transcript NM_004380.3 (MANE Select); coding-DNA position 6732, G replaced by A.
Protein change: p.Met2244Ile; replaces methionine 2244 with isoleucine.
Molecular consequence: missense variant.
Genome position (GRCh38, 1-based): chr16:3,728,315, C>T on the plus strand (G>A on the coding strand, the complement: CREBBP is on the minus strand). VCF-style: chr16-3728315-C-T. GRCh37 (hg19) VCF-style: chr16-3778316-C-T.
Other names: c.6618G>A, p.Met2206Ile (NM_001079846.1); c.6732G>A (NM_004380.2); short protein forms M2206I, M2244I.
Identifiers: ClinVar variation 2046719 (VCV002046719.20), dbSNP rs201356785, ClinGen allele CA7869014.
Genomic context (GRCh38, chr16:3,728,315, plus strand): 5'-CATCTGGCCCATGGAGCTGCCCTGGAGGGGGAGATGCTGCTGCATGCGCTGCTGCTGCTG[C>T]ATGGCCGGTGGGTAGCCTCCGGGTCCTTGAGGCTGCTGGAACTGGCCGTGCCCCGCCATG-3'
Protein context (NP_004371.2, residues 2234-2254): PQGPGGYPPA[Met2244Ile]QQQQRMQQHL